The following is an entry in ClinVar:

NM_000116.5(TAFAZZIN):c.250C>T (p.Leu84Phe)

Gene: TAFAZZIN (tafazzin, phospholipid-lysophospholipid transacylase; plus strand). Cytogenetic location: Xq28.
Variant type: single nucleotide variant.
Coding change: c.250C>T on transcript NM_000116.5 (MANE Select); coding-DNA position 250, C replaced by T.
Protein change: p.Leu84Phe; replaces leucine 84 with phenylalanine.
Molecular consequence: missense variant. On other transcripts: non-coding transcript variant (1).
Genome position (GRCh38, 1-based): chrX:154,413,218, C>T. VCF-style: chrX-154413218-C-T. GRCh37 (hg19) VCF-style: chrX-153641555-C-T.
Other names: c.304C>T, p.Leu102Phe (NM_001303465.2, NM_001410698.1); c.250C>T, p.Leu84Phe (NM_181311.4, NM_181312.4, NM_181313.4); short protein forms L102F, L84F.
Identifiers: ClinVar variation 1918613 (VCV001918613.3), dbSNP rs984997023, ClinGen allele CA337285907.

ClinVar aggregate classification (germline): Uncertain significance (1 of 4 stars; one submission).

Conditions:
3-Methylglutaconic aciduria type 2 (BTHS). Also called: Barth syndrome; CARDIOSKELETAL MYOPATHY WITH NEUTROPENIA AND ABNORMAL MITOCHONDRIA. Identifiers: Orphanet 111, MedGen C0574083, MONDO:0010543, OMIM 302060.

Allele frequency attached by ClinVar (database versions not stated): TOPMed below 0.00001; gnomAD 0.00001; gnomAD exomes 0.00001.
gnomAD v4.1: 9 of 1,210,675 alleles (0.00074%); highest among the groups gnomAD compares: Non-Finnish European, 0.00089%; no homozygotes.

Submission:

Labcorp Genetics (formerly Invitae), Labcorp
Classification: Uncertain significance for 3-Methylglutaconic aciduria type 2. Last evaluated: 2023-06-27. Review status: criteria provided, single submitter. Criteria: Invitae Variant Classification Sherloc (09022015). Collection method: clinical testing. Allele origin: germline.
Comment: This sequence change replaces leucine, which is neutral and non-polar, with phenylalanine, which is neutral and non-polar, at codon 84 of the TAZ protein (p.Leu84Phe). In summary, the available evidence is currently insufficient to determine the role of this variant in disease. Therefore, it has been classified as a Variant of Uncertain Significance. An algorithm developed to predict the effect of missense changes on protein structure and function (PolyPhen-2) suggests that this variant¬†is likely to be tolerated. ClinVar contains an entry for this variant (Variation ID: 1918613). This variant has not been reported in the literature in individuals affected with TAZ-related conditions. This variant is present in population databases (no rsID available, gnomAD 0.001%).